The following is an entry in ClinVar:

ClinVar aggregate classification (germline): Likely benign. Review status: criteria provided, single submitter (1 of 4 stars). 2 submissions from 2 submitters: Likely benign (1). 1 of the submissions does not count toward it. Last evaluated 2025-11-16.

Conditions:
NPHP4-related disorder. Also called: NPHP4-related condition; NPHP4-related disorders. Identifiers: MedGen CN239384.
Nephronophthisis. Also called: Juvenile Nephronophthisis. Identifiers: Orphanet 655, MedGen C0687120, MONDO:0019005, HP:0000090.

Allele frequency attached by ClinVar (database versions not stated): gnomAD exomes below 0.00001; ExAC 0.00001; TOPMed 0.00004; gnomAD 0.00005 and 0.00006.
gnomAD v4.1: 12 of 1,584,090 alleles (0.00076%); highest among the groups gnomAD compares: African/African-American, 0.0094%; no homozygotes.

Submissions (2):

Labcorp Genetics (formerly Invitae), Labcorp
Classification: Likely benign for Nephronophthisis. Last evaluated: 2025-11-16. Review status: criteria provided, single submitter. Criteria: Invitae Variant Classification Sherloc (09022015). Collection method: clinical testing. Allele origin: germline.

PreventionGenetics, part of Exact Sciences
Classification: Likely benign for NPHP4-related condition. Last evaluated: 2022-08-23. Review status: no assertion criteria provided. Collection method: clinical testing. Allele origin: germline. Not counted in ClinVar's aggregate classification.
Comment: This variant is classified as likely benign based on ACMG/AMP sequence variant interpretation guidelines (Richards et al. 2015 PMID: 25741868, with internal and published modifications).

NM_015102.5(NPHP4):c.2187C>T (p.Phe729=)

Gene: NPHP4 (nephrocystin 4; minus strand). Cytogenetic location: 1p36.31.
Variant type: single nucleotide variant.
Coding change: c.2187C>T on transcript NM_015102.5 (MANE Select); coding-DNA position 2187, C replaced by T.
Protein change: p.Phe729=; no amino-acid change (phenylalanine 729 retained).
Molecular consequence: synonymous variant. On other transcripts: non-coding transcript variant (1).
Genome position (GRCh38, 1-based): chr1:5,890,985, G>A on the plus strand (C>T on the coding strand, the complement: NPHP4 is on the minus strand). VCF-style: chr1-5890985-G-A. GRCh37 (hg19) VCF-style: chr1-5951045-G-A.
Other names: c.648C>T, p.Phe216= (NM_001291593.2); c.651C>T, p.Phe217= (NM_001291594.2).
Identifiers: ClinVar variation 702256 (VCV000702256.11), dbSNP rs767577297, ClinGen allele CA554244.